The following is an entry in ClinVar:

ClinVar aggregate classification (germline): Conflicting classifications of pathogenicity. Review status: criteria provided, conflicting classifications (1 of 4 stars). 3 submissions from 3 submitters: Uncertain significance (2); Likely benign (1). Last evaluated 2024-06-11.

Conditions:
Hereditary cancer-predisposing syndrome. Also called: Neoplastic Syndromes, Hereditary; Tumor predisposition; Hereditary neoplastic syndrome; Hereditary Cancer Syndrome. Identifiers: Orphanet 140162, MedGen C0027672, MeSH D009386, MONDO:0015356.
Ataxia-telangiectasia syndrome (AT). Also called: Cerebello-oculocutaneous telangiectasia; Immunodeficiency with ataxia telangiectasia; Ataxia-telangiectasia; Ataxia telangiectasia (A-T); LOUIS-BAR SYNDROME; Ataxia-telangiectasia, complementation group D. Identifiers: Orphanet 100, MedGen C0004135, MONDO:0008840, OMIM 208900.

Submissions (3):

Ambry Genetics
Classification: Likely benign for Hereditary cancer-predisposing syndrome. Last evaluated: 2024-06-11. Review status: criteria provided, single submitter. Criteria: Ambry Variant Classification Scheme 2023. Collection method: clinical testing. Allele origin: germline.

Labcorp Genetics (formerly Invitae), Labcorp
Classification: Uncertain significance for Ataxia-telangiectasia syndrome. Last evaluated: 2022-02-25. Review status: criteria provided, single submitter. Criteria: Invitae Variant Classification Sherloc (09022015). Collection method: clinical testing. Allele origin: germline.
Comment: This sequence change replaces serine, which is neutral and polar, with proline, which is neutral and non-polar, at codon 367 of the ATM protein (p.Ser367Pro). This variant is not present in population databases (gnomAD no frequency). This variant has not been reported in the literature in individuals affected with ATM-related conditions. ClinVar contains an entry for this variant (Variation ID: 246391). Advanced modeling of protein sequence and biophysical properties (such as structural, functional, and spatial information, amino acid conservation, physicochemical variation, residue mobility, and thermodynamic stability) performed at Invitae indicates that this missense variant is not expected to disrupt ATM protein function. In summary, the available evidence is currently insufficient to determine the role of this variant in disease. Therefore, it has been classified as a Variant of Uncertain Significance.

GeneDx
Classification: Uncertain significance. Last evaluated: 2016-02-08. Review status: criteria provided, single submitter. Criteria: GeneDx Variant Classification (06012015). Collection method: clinical testing. Allele origin: germline. Affected: yes.
Comment: This variant is denoted ATM c.1099T>C at the cDNA level, p.Ser367Pro (S367P) at the protein level, and results in the change of a Serine to a Proline (TCT>CCT). This variant has not, to our knowledge, been published in the literature as either a mutation or a benign polymorphism. ATM Ser367Pro was not observed in approximately 6,500 individuals of European and African American ancestry in the NHLBI Exome Sequencing Project, suggesting it is not a common benign variant in these populations. Since Serine and Proline differ in polarity, charge, size or other properties, this is considered a non-conservative amino acid substitution. ATM Ser367Pro occurs at a position where amino acids with properties similar to Serine are tolerated across species and is not located in a known functional domain (Tavtigian 2009), however it is located at a site of autophosphorylation (Kozlov 2011). In silico analyses are inconsistent regarding the effect this variant may have on protein structure and function. Based on currently available evidence, it is unclear whether ATM Ser367Pro is a pathogenic or benign variant. We consider it to be a variant of uncertain significance.

NM_000051.4(ATM):c.1099T>C (p.Ser367Pro)

Gene: ATM (ATM serine/threonine kinase; plus strand). Cytogenetic location: 11q22.3.
Variant type: single nucleotide variant.
Coding change: c.1099T>C on transcript NM_000051.4 (MANE Select); coding-DNA position 1099, T replaced by C.
Protein change: p.Ser367Pro; replaces serine 367 with proline.
Molecular consequence: missense variant.
Genome position (GRCh38, 1-based): chr11:108,248,966, T>C. VCF-style: chr11-108248966-T-C. GRCh37 (hg19) VCF-style: chr11-108119693-T-C.
Other names: c.1099T>C, p.Ser367Pro (NM_001351834.2); short protein forms S367P.
Identifiers: ClinVar variation 246391 (VCV000246391.5), dbSNP rs879254236, ClinGen allele CA10584321.